The following is an entry in ClinVar:

ClinVar aggregate classification (germline): Pathogenic (1 of 4 stars; one submission).

Conditions:
Tietz syndrome (TADS). Also called: HYPOPIGMENTATION/DEAFNESS OF TIETZ; TIETZ ALBINISM-DEAFNESS SYNDROME; ALBINISM-DEAFNESS OF TIETZ. Identifiers: Orphanet 42665, MedGen C0391816, MONDO:0007077, OMIM 103500.
Waardenburg syndrome type 2A (WS2A). Also called: WAARDENBURG SYNDROME WITHOUT DYSTOPIA CANTHORUM. Identifiers: Orphanet 3440, MedGen C1860339, MONDO:0008671, OMIM 193510.
Melanoma, cutaneous malignant, susceptibility to, 8. Also called: MELANOMA AND RENAL CELL CARCINOMA, SUSCEPTIBILITY TO; Cutaneous malignant melanoma 8. Identifiers: Orphanet 293822, MedGen C3152204, MONDO:0013759, OMIM 614456.

Submission:

Labcorp Genetics (formerly Invitae), Labcorp
Classification: Pathogenic for Melanoma, cutaneous malignant, susceptibility to, 8; Waardenburg syndrome type 2A; Tietz syndrome. Last evaluated: 2024-03-10. Review status: criteria provided, single submitter. Criteria: Invitae Variant Classification Sherloc (09022015). Collection method: clinical testing. Allele origin: germline.
Comment: This sequence change creates a premature translational stop signal (p.Gln286Glyfs*3) in the MITF gene. While this is not anticipated to result in nonsense mediated decay, it is expected to disrupt the last 134 amino acid(s) of the MITF protein. This variant is not present in population databases (gnomAD no frequency). This variant has not been reported in the literature in individuals affected with MITF-related conditions. This variant disrupts a region of the MITF protein in which other variant(s) (p.Leu341Argfs*18) have been determined to be pathogenic (PMID: 30936914; Invitae). This suggests that this is a clinically significant region of the protein, and that variants that disrupt it are likely to be disease-causing. For these reasons, this variant has been classified as Pathogenic.

Literature cited by the submitters: PubMed 30936914.

NM_001354604.2(MITF):c.1177_1178del (p.Gln393fs)

Gene: MITF (melanocyte inducing transcription factor; plus strand). Cytogenetic location: 3p13.
Variant type: Deletion.
Coding change: c.1177_1178del on transcript NM_001354604.2 (MANE Select); coding-DNA positions 1177 to 1178, 2 bases deleted (CA; older notation c.1177_1178delCA).
Protein change: p.Gln393fs; shifts the reading frame from glutamine 393.
Molecular consequence: frameshift variant.
Genome position (GRCh38, 1-based): chr3:69,959,418-69,959,419, CA deleted; deleting any 2 consecutive bases within chr3:69,959,417-69,959,419 gives the same sequence; the c. name uses the placement nearest the transcript's 3' end. VCF-style (leftmost placement, unchanged base first): chr3-69959416-TAC-T. GRCh37 (hg19) VCF-style: chr3-70008567-TAC-T.
Other names: c.856_857del, p.Gln286fs (NM_000248.4); c.1003_1004del, p.Gln335fs (NM_001184967.2, NM_001354608.2); c.1174_1175del, p.Gln392fs (NM_001354605.2); c.1156_1157del, p.Gln386fs (NM_001354606.2, NM_006722.3); c.1108_1109del, p.Gln370fs (NM_001354607.2); c.838_839del, p.Gln280fs (NM_198158.3); c.1159_1160del, p.Gln387fs (NM_198159.3); c.1111_1112del, p.Gln371fs (NM_198177.3); and 1 more; short protein forms Q224fs, Q280fs, Q286fs, Q335fs, Q370fs, Q371fs, Q386fs, Q387fs.
Identifiers: ClinVar variation 3755219 (VCV003755219.2).